The following is an entry in ClinVar:

NM_018897.3(DNAH7):c.7831G>A (p.Ala2611Thr)

Genes: DNAH7 (dynein axonemal heavy chain 7; minus strand), LOC126806457 (BRD4-independent group 4 enhancer GRCh37_chr2:196722945-196724144; plus strand). Cytogenetic location: 2q32.3.
Variant type: single nucleotide variant.
Coding change: c.7831G>A on transcript NM_018897.3 (MANE Select); coding-DNA position 7831, G replaced by A.
Protein change: p.Ala2611Thr; replaces alanine 2611 with threonine.
Molecular consequence: missense variant.
Genome position (GRCh38, 1-based): chr2:195,858,710, C>T on the plus strand (G>A on the coding strand, the complement: DNAH7 is on the minus strand). VCF-style: chr2-195858710-C-T. GRCh37 (hg19) VCF-style: chr2-196723434-C-T.
Other names: short protein forms A2611T.
Identifiers: ClinVar variation 3039082 (VCV003039082.3), dbSNP rs200187568, ClinGen allele CA2034768.

ClinVar aggregate classification (germline): Uncertain significance. Review status: criteria provided, single submitter (1 of 4 stars). 2 submissions from 2 submitters: Uncertain significance (1). 1 of the submissions does not count toward it. Last evaluated 2025-12-09.

Conditions:
DNAH7-related disorder. Also called: DNAH7-related condition.

Allele frequency attached by ClinVar (database versions not stated): 1000 Genomes Project 30x 0.00078; TOPMed 0.00122; gnomAD exomes 0.00196; gnomAD 0.00123; ExAC 0.00088; 1000 Genomes Project 0.00080; ESP Exome Variant Server 0.00108.
gnomAD v4.1: 3,049 of 1,613,970 alleles (0.19%); highest among the groups gnomAD compares: Non-Finnish European, 0.24%; 5 homozygotes.

Submissions (2):

Ambry Genetics
Classification: Uncertain significance. Last evaluated: 2025-12-09. Review status: criteria provided, single submitter. Criteria: Ambry Variant Classification Scheme 2023. Collection method: clinical testing. Allele origin: germline.

PreventionGenetics, part of Exact Sciences
Classification: Likely benign for DNAH7-related condition. Last evaluated: 2022-12-15. Review status: no assertion criteria provided. Collection method: clinical testing. Allele origin: germline. Not counted in ClinVar's aggregate classification.
Comment: This variant is classified as likely benign based on ACMG/AMP sequence variant interpretation guidelines (Richards et al. 2015 PMID: 25741868, with internal and published modifications).